The following is an entry in ClinVar:

ClinVar aggregate classification (germline): Uncertain significance (1 of 4 stars; one submission).

Conditions:
Cardiovascular phenotype. Identifiers: MedGen CN230736.

Submission:

Ambry Genetics
Classification: Uncertain significance for Cardiovascular phenotype. Last evaluated: 2026-07-02. Review status: criteria provided, single submitter. Criteria: Ambry Variant Classification Scheme 2023. Collection method: clinical testing. Allele origin: germline.
Comment: The p.S3222P variant (also known as c.9664T>C), located in coding exon 26 of the APOB gene, results from a T to C substitution at nucleotide position 9664. The serine at codon 3222 is replaced by proline, an amino acid with similar properties. This amino acid position is conserved. In addition, this alteration is predicted to be tolerated by in silico analysis. Based on the available evidence, the clinical significance of this variant remains unclear.

NM_000384.3(APOB):c.9664T>C (p.Ser3222Pro)

Gene: APOB (apolipoprotein B; minus strand). Cytogenetic location: 2p24.1.
Variant type: single nucleotide variant.
Coding change: c.9664T>C on transcript NM_000384.3 (MANE Select); coding-DNA position 9664, T replaced by C.
Protein change: p.Ser3222Pro; replaces serine 3222 with proline.
Molecular consequence: missense variant.
Genome position (GRCh38, 1-based): chr2:21,007,204, A>G on the plus strand (T>C on the coding strand, the complement: APOB is on the minus strand). VCF-style: chr2-21007204-A-G. GRCh37 (hg19) VCF-style: chr2-21230076-A-G.
Other names: short protein forms S3222P.
Identifiers: ClinVar variation 5027145 (VCV005027145.1).